The following is an entry in ClinVar:

NM_000535.7(PMS2):c.2334C>A (p.Phe778Leu)

Gene: PMS2 (PMS1 homolog 2, mismatch repair system component; minus strand). Cytogenetic location: 7p22.1.
Variant type: single nucleotide variant.
Coding change: c.2334C>A on transcript NM_000535.7 (MANE Select); coding-DNA position 2334, C replaced by A.
Protein change: p.Phe778Leu; replaces phenylalanine 778 with leucine.
Molecular consequence: missense variant. On other transcripts: non-coding transcript variant (1).
Genome position (GRCh38, 1-based): chr7:5,977,699, G>T on the plus strand (C>A on the coding strand, the complement: PMS2 is on the minus strand). VCF-style: chr7-5977699-G-T. GRCh37 (hg19) VCF-style: chr7-6017330-G-T.
Other names: c.2178C>A, p.Phe726Leu (NM_001322006.2); c.2016C>A, p.Phe672Leu (NM_001322007.2, NM_001322008.2, NM_001406883.1); c.2025C>A, p.Phe675Leu (NM_001406878.1, NM_001406879.1, NM_001406877.1 and 4 more transcripts); c.1962C>A, p.Phe654Leu (NM_001322009.2, NM_001406887.1, NM_001406888.1); c.2049C>A, p.Phe683Leu (NM_001406876.1); c.1773C>A, p.Phe591Leu (NM_001322010.2, NM_001406906.1, NM_001406907.1); c.1401C>A, p.Phe467Leu (NM_001322011.2, NM_001322012.2); c.2136C>A, p.Phe712Leu (NM_001406873.1); and 20 more; short protein forms F377L, F587L, F620L, F656L, F675L, F730L, F789L, F467L.
Identifiers: ClinVar variation 2860340 (VCV002860340.3), dbSNP rs768674294, ClinGen allele CA366735948.
Genomic context (GRCh38, chr7:5,977,699, plus strand): 5'-GCACATGACCCCAGGGCTGTCGCTCAGCATGAAGATCAGTTCATCGACGTCCTGGGGTCC[G>T]AAGGTCCAGTTTTTACTAGTTGGCAAGGAAATCAGTTTAGCCCTTTCAGTGACTGGAGCT-3'
Protein context (NP_000526.2, residues 768-788): ISLPTSKNWT[Phe778Leu]GPQDVDELIF

ClinVar aggregate classification (germline): Uncertain significance (1 of 4 stars; one submission).

Conditions:
Hereditary nonpolyposis colorectal neoplasms. Identifiers: MedGen C0009405, MeSH D003123.

Submission:

Labcorp Genetics (formerly Invitae), Labcorp
Classification: Uncertain significance for Hereditary nonpolyposis colorectal neoplasms. Last evaluated: 2023-06-04. Review status: criteria provided, single submitter. Criteria: Invitae Variant Classification Sherloc (09022015). Collection method: clinical testing. Allele origin: germline.
Comment: Advanced modeling of protein sequence and biophysical properties (such as structural, functional, and spatial information, amino acid conservation, physicochemical variation, residue mobility, and thermodynamic stability) performed at Invitae indicates that this missense variant is expected to disrupt PMS2 protein function. This sequence change replaces phenylalanine, which is neutral and non-polar, with leucine, which is neutral and non-polar, at codon 778 of the PMS2 protein (p.Phe778Leu). The frequency data for this variant in the population databases (gnomAD) is considered unreliable due to the presence of homologous sequence, such as pseudogenes or paralogs, in the genome. This variant has not been reported in the literature in individuals affected with PMS2-related conditions. In summary, the available evidence is currently insufficient to determine the role of this variant in disease. Therefore, it has been classified as a Variant of Uncertain Significance.